The following is an entry in ClinVar:

ClinVar aggregate classification (germline): Conflicting classifications of pathogenicity. Review status: criteria provided, conflicting classifications (1 of 4 stars). 2 submissions from 2 submitters: Likely pathogenic (1); Uncertain significance (1). Last evaluated 2026-02-01.

Conditions:
Dilated cardiomyopathy 1G (CMD1G). Identifiers: Orphanet 154, MedGen C1858763, MONDO:0011400, OMIM 604145.
Autosomal recessive limb-girdle muscular dystrophy type 2J (LGMDR10). Also called: MUSCULAR DYSTROPHY, LIMB-GIRDLE, AUTOSOMAL RECESSIVE 10; Limb-girdle muscular dystrophy, type 2J. Identifiers: Orphanet 140922, MedGen C1837342, MONDO:0012127, OMIM 608807.

Allele frequency attached by ClinVar (database versions not stated): gnomAD exomes 0.00001.

Submissions (2):

CeGaT Center for Human Genetics Tuebingen
Classification: Uncertain significance. Last evaluated: 2026-02-01. Review status: criteria provided, single submitter. Criteria: CeGaT Center For Human Genetics Tuebingen Variant Classification Criteria Version 2. Collection method: clinical testing. Allele origin: germline. Affected: yes. Observed: 1 variant allele.

Labcorp Genetics (formerly Invitae), Labcorp
Classification: Likely pathogenic for Dilated cardiomyopathy 1G; Autosomal recessive limb-girdle muscular dystrophy type 2J. Last evaluated: 2024-10-28. Review status: criteria provided, single submitter. Criteria: Invitae Variant Classification Sherloc (09022015). Collection method: clinical testing. Allele origin: germline.
Comment: This sequence change creates a premature translational stop signal (p.Gln9794Argfs*4) in the TTN gene. While this is not anticipated to result in nonsense mediated decay, it is expected to create a truncated TTN protein. This variant is present in population databases (no rsID available, gnomAD 0.003%). This variant has not been reported in the literature in individuals affected with TTN-related conditions. ClinVar contains an entry for this variant (Variation ID: 1523813). This variant is located in the I band of TTN (PMID: 25589632). Truncating variants in this region have been reported in individuals affected with autosomal recessive centronuclear myopathy (PMID: 23975875, internal data). Truncating variants in this region have also been identified in individuals affected with autosomal dominant dilated cardiomyopathy and/or cardio-related conditions (PMID: 27869827, 32964742, internal data). In summary, the currently available evidence indicates that the variant is pathogenic, but additional data are needed to prove that conclusively. Therefore, this variant has been classified as Likely Pathogenic.

Literature cited by the submitters: PubMed 25589632 (cited by Labcorp Genetics (formerly Invitae), Labcorp); PubMed 23975875 (cited by Labcorp Genetics (formerly Invitae), Labcorp); PubMed 27869827 (cited by Labcorp Genetics (formerly Invitae), Labcorp); PubMed 32964742 (cited by Labcorp Genetics (formerly Invitae), Labcorp).

NM_001267550.2(TTN):c.29381_29382del (p.Gln9794fs)

Gene: TTN (titin; minus strand). Cytogenetic location: 2q31.2.
Variant type: Deletion.
Coding change: c.29381_29382del on transcript NM_001267550.2 (MANE Select); coding-DNA positions 29381 to 29382, 2 bases deleted (AA; older notation c.29381_29382delAA).
Protein change: p.Gln9794fs; shifts the reading frame from glutamine 9794.
Molecular consequence: frameshift variant. On other transcripts: intron variant (3).
Genome position (GRCh38, 1-based): chr2:178,706,492-178,706,493, TT deleted on the plus strand (AA on the coding strand, the reverse complement: TTN is on the minus strand). VCF-style (leftmost placement, unchanged base first): chr2-178706491-CTT-C. GRCh37 (hg19) VCF-style: chr2-179571218-CTT-C.
Other names: c.28430_28431del, p.Gln9477fs (NM_001256850.1); c.25649_25650del, p.Gln8550fs (NM_133378.4); c.13282+31589_13282+31590del (NM_003319.4); c.13858+31589_13858+31590del (NM_133437.4); c.13657+31589_13657+31590del (NM_133432.3); short protein forms Q8550fs, Q9477fs, Q9794fs.
Identifiers: ClinVar variation 1523813 (VCV001523813.12), dbSNP rs1290002563, ClinGen allele CA538436528.